The following is an entry in ClinVar:

ClinVar aggregate classification (germline): Uncertain significance (1 of 4 stars; one submission).

Conditions:
Bloom syndrome (BLM). Also called: Bloom-Torre-Machacek syndrome. Identifiers: Orphanet 125, MedGen C0005859, MONDO:0008876, OMIM 210900.

Allele frequency attached by ClinVar (database versions not stated): gnomAD exomes below 0.00001; ExAC 0.00001.
gnomAD v4.1: 1 of 1,613,808 alleles (0.000062%); highest among the groups gnomAD compares: East Asian, 0.0022%; no homozygotes.

Submission:

Labcorp Genetics (formerly Invitae), Labcorp
Classification: Uncertain significance for Bloom syndrome. Last evaluated: 2020-01-28. Review status: criteria provided, single submitter. Criteria: Invitae Variant Classification Sherloc (09022015). Collection method: clinical testing. Allele origin: germline.
Comment: In summary, the available evidence is currently insufficient to determine the role of this variant in disease. Therefore, it has been classified as a Variant of Uncertain Significance. This sequence change replaces threonine with asparagine at codon 327 of the BLM protein (p.Thr327Asn). The threonine residue is weakly conserved and there is a small physicochemical difference between threonine and asparagine. This variant is present in population databases (rs748581308, ExAC 0.01%). This variant has not been reported in the literature in individuals with BLM-related conditions. Algorithms developed to predict the effect of missense changes on protein structure and function (SIFT, PolyPhen-2, Align-GVGD) all suggest that this variant is likely to be tolerated, but these predictions have not been confirmed by published functional studies and their clinical significance is uncertain.

NM_000057.4(BLM):c.980C>A (p.Thr327Asn)

Gene: BLM (BLM RecQ like helicase; plus strand). Cytogenetic location: 15q26.1.
Variant type: single nucleotide variant.
Coding change: c.980C>A on transcript NM_000057.4 (MANE Select); coding-DNA position 980, C replaced by A.
Protein change: p.Thr327Asn; replaces threonine 327 with asparagine.
Molecular consequence: missense variant. On other transcripts: 5 prime UTR variant (1).
Genome position (GRCh38, 1-based): chr15:90,754,831, C>A. VCF-style: chr15-90754831-C-A. GRCh37 (hg19) VCF-style: chr15-91298061-C-A.
Other names: c.980C>A, p.Thr327Asn (NM_001287246.2, NM_001287247.2); c.-312C>A (NM_001287248.2); short protein forms T327N.
Identifiers: ClinVar variation 1053209 (VCV001053209.10), dbSNP rs748581308, ClinGen allele CA7738406.